The following is an entry in ClinVar:

NM_014629.4(ARHGEF10):c.3406C>T (p.Arg1136Trp)

Gene: ARHGEF10 (Rho guanine nucleotide exchange factor 10; plus strand). Cytogenetic location: 8p23.3.
Variant type: single nucleotide variant.
Coding change: c.3406C>T on transcript NM_014629.4 (MANE Select); coding-DNA position 3406, C replaced by T.
Protein change: p.Arg1136Trp; replaces arginine 1136 with tryptophan.
Molecular consequence: missense variant.
Genome position (GRCh38, 1-based): chr8:1,952,713, C>T. VCF-style: chr8-1952713-C-T. GRCh37 (hg19) VCF-style: chr8-1900879-C-T.
Other names: c.3292C>T, p.Arg1098Trp (NM_001308152.2); c.3406C>T, p.Arg1136Trp (NM_001308153.3); short protein forms R1098W, R1136W, R1160W.
Identifiers: ClinVar variation 2078435 (VCV002078435.28), dbSNP rs779682833, ClinGen allele CA4601365.

ClinVar aggregate classification (germline): Uncertain significance. Review status: criteria provided, multiple submitters, no conflicts (2 of 4 stars). 2 submissions from 2 submitters: Uncertain significance (2). Last evaluated 2025-11-18.

gnomAD v4.1: 11 of 1,612,608 alleles (0.00068%); highest among the groups gnomAD compares: Middle Eastern, 0.017%; no homozygotes.

Submissions (2):

Labcorp Genetics (formerly Invitae), Labcorp
Classification: Uncertain significance. Last evaluated: 2025-11-18. Review status: criteria provided, single submitter. Criteria: Invitae Variant Classification Sherloc (09022015). Collection method: clinical testing. Allele origin: germline.
Comment: This sequence change replaces arginine, which is basic and polar, with tryptophan, which is neutral and slightly polar, at codon 1136 of the ARHGEF10 protein (p.Arg1136Trp). The frequency data for this variant in the population databases is considered unreliable, as metrics indicate poor data quality at this position in the gnomAD database. This variant has not been reported in the literature in individuals affected with ARHGEF10-related conditions. ClinVar contains an entry for this variant (Variation ID: 2078435). Invitae Evidence Modeling of protein sequence and biophysical properties (such as structural, functional, and spatial information, amino acid conservation, physicochemical variation, residue mobility, and thermodynamic stability) indicates that this missense variant is not expected to disrupt ARHGEF10 protein function with a negative predictive value of 80%. In summary, the available evidence is currently insufficient to determine the role of this variant in disease. Therefore, it has been classified as a Variant of Uncertain Significance.

CeGaT Center for Human Genetics Tuebingen
Classification: Uncertain significance. Last evaluated: 2025-10-01. Review status: criteria provided, single submitter. Criteria: CeGaT Center For Human Genetics Tuebingen Variant Classification Criteria Version 2. Collection method: clinical testing. Allele origin: germline. Affected: yes. Observed: 2 variant alleles.